The following is an entry in ClinVar:

NM_001048174.2(MUTYH):c.849+1G>T

Gene: MUTYH (mutY DNA glycosylase; minus strand). Cytogenetic location: 1p34.1.
Variant type: single nucleotide variant.
Coding change: c.849+1G>T on transcript NM_001048174.2 (MANE Select); the canonical splice donor site of the intron after coding-DNA position 849, G replaced by T.
Molecular consequence: splice donor variant.
Genome position (GRCh38, 1-based): chr1:45,332,165, C>A on the plus strand (G>T on the coding strand, the complement: MUTYH is on the minus strand). VCF-style: chr1-45332165-C-A. GRCh37 (hg19) VCF-style: chr1-45797837-C-A.
Other names: c.849+1G>T (NM_001407089.1, NM_001048171.2, NM_001407070.1 and 6 more transcripts); c.894+1G>T (NM_001293190.2); c.882+1G>T (NM_001407069.1, NM_001407077.1, NM_001293191.2); c.924+1G>T (NM_012222.3); c.933+1G>T (NM_001128425.2, NM_001128425.1); c.852+1G>T (NM_001407071.1, NM_001048172.2, NM_001407078.1 and 1 more transcripts); c.504+1G>T (NM_001407082.1, NM_001350651.2, NM_001350650.2); c.573+1G>T (NM_001293196.2, NM_001407091.1, NM_001293192.2); and 5 more.
Identifiers: ClinVar variation 1067242 (VCV001067242.11), dbSNP rs2149136521, ClinGen allele CA340134278.
Genomic context (GRCh38, chr1:45,332,165, plus strand): 5'-AGTGTCATAGGGCAGAGTCACTCCTTAGGACTTCTCACTGCCCCTTCCCCAGTAGGCTTA[C>A]TCTCTGGCGTGCCCGGCACAGGCTCTCCACAGGGCACTGGCTGCACAGTGGGCGCTGTGG-3'

ClinVar aggregate classification (germline): Likely pathogenic. Review status: criteria provided, multiple submitters, no conflicts (2 of 4 stars). 2 submissions from 2 submitters: Likely pathogenic (2). Last evaluated 2026-05-15.

Conditions:
Hereditary cancer-predisposing syndrome. Also called: Hereditary neoplastic syndrome; Neoplastic Syndromes, Hereditary; Tumor predisposition; Hereditary Cancer Syndrome. Identifiers: Orphanet 140162, MedGen C0027672, MeSH D009386, MONDO:0015356.
Familial adenomatous polyposis 2. Also called: COLORECTAL ADENOMATOUS POLYPOSIS, AUTOSOMAL RECESSIVE; ADENOMAS, MULTIPLE COLORECTAL, AUTOSOMAL RECESSIVE; MYH-associated polyposis; FAP type 2; MUTYH-associated polyposis; MUTYH-related attenuated familial adenomatous polyposis. Identifiers: Orphanet 220460, Orphanet 247798, MedGen C3272841, MONDO:0012041, OMIM 608456.

Submissions (3):

Ambry Genetics
Classification: Likely pathogenic for Hereditary cancer-predisposing syndrome. Last evaluated: 2026-05-15. Review status: criteria provided, single submitter. Criteria: Ambry Variant Classification Scheme 2023. Collection method: clinical testing. Allele origin: germline.
Comment: The c.933+1G>T intronic variant results from a G to T substitution one nucleotide after coding exon 10 of the MUTYH gene. This variant is considered to be rare based on population cohorts in the Genome Aggregation Database (gnomAD). This nucleotide position is highly conserved in available vertebrate species. In silico splice site analysis predicts that this alteration will weaken the native splice donor site; however, direct evidence is insufficient at this time (Ambry internal data). Variants that disrupt the canonical splice site are expected to cause aberrant splicing, resulting in an abnormal protein or a transcript that is subject to nonsense-mediated mRNA decay. As such, this variant is classified as likely pathogenic.

Labcorp Genetics (formerly Invitae), Labcorp
Classification: Likely pathogenic for Familial adenomatous polyposis 2. Last evaluated: 2023-06-27. Review status: criteria provided, single submitter. Criteria: Invitae Variant Classification Sherloc (09022015). Collection method: clinical testing. Allele origin: germline.
Comment: In summary, the currently available evidence indicates that the variant is pathogenic, but additional data are needed to prove that conclusively. Therefore, this variant has been classified as Likely Pathogenic. Algorithms developed to predict the effect of sequence changes on RNA splicing suggest that this variant may disrupt the consensus splice site. ClinVar contains an entry for this variant (Variation ID: 1067242). Disruption of this splice site has been observed in individual(s) with colorectal cancer (PMID: 14991577). This variant is not present in population databases (gnomAD no frequency). This sequence change affects a donor splice site in intron 10 of the MUTYH gene. It is expected to disrupt RNA splicing. Variants that disrupt the donor or acceptor splice site typically lead to a loss of protein function (PMID: 16199547), and loss-of-function variants in MUTYH are known to be pathogenic (PMID: 18534194, 20663686).

Dr. Peter K. Rogan Lab, Western University
No classification provided (evidence only). Condition: Melanoma. Review status: no classification provided. Collection method: in vitro. Allele origin: not applicable. Functional consequence: skipped exon, retained intron. Not counted in ClinVar's aggregate classification.

Literature cited by the submitters: PubMed 14991577 (cited by Labcorp Genetics (formerly Invitae), Labcorp); PubMed 16199547 (cited by Labcorp Genetics (formerly Invitae), Labcorp); PubMed 18534194 (cited by Labcorp Genetics (formerly Invitae), Labcorp); PubMed 20663686 (cited by Labcorp Genetics (formerly Invitae), Labcorp).